The following is an entry in ClinVar:

NM_001369.3(DNAH5):c.4013T>C (p.Phe1338Ser)

Genes: DNAH5 (dynein axonemal heavy chain 5; minus strand), DNAH5-AS1 (DNAH5 antisense RNA 1; plus strand). Cytogenetic location: 5p15.2.
Variant type: single nucleotide variant.
Coding change: c.4013T>C on transcript NM_001369.3 (MANE Select); coding-DNA position 4013, T replaced by C.
Protein change: p.Phe1338Ser; replaces phenylalanine 1338 with serine.
Molecular consequence: missense variant.
Genome position (GRCh38, 1-based): chr5:13,867,814, A>G on the plus strand (T>C on the coding strand, the complement: DNAH5 is on the minus strand). VCF-style: chr5-13867814-A-G. GRCh37 (hg19) VCF-style: chr5-13867923-A-G.
Other names: short protein forms F1338S.
Identifiers: ClinVar variation 3841160 (VCV003841160.1).

ClinVar aggregate classification (germline): Uncertain significance (1 of 4 stars; one submission).

Conditions:
Primary ciliary dyskinesia. Also called: Ciliary dyskinesia. Identifiers: Orphanet 244, MedGen C0008780, MONDO:0016575, HP:0012265.

Submission:

Ambry Genetics
Classification: Uncertain significance for Primary ciliary dyskinesia. Last evaluated: 2024-12-29. Review status: criteria provided, single submitter. Criteria: Ambry Variant Classification Scheme 2023. Collection method: clinical testing. Allele origin: germline.
Comment: The p.F1338S variant (also known as c.4013T>C), located in coding exon 25 of the DNAH5 gene, results from a T to C substitution at nucleotide position 4013. The phenylalanine at codon 1338 is replaced by serine, an amino acid with highly dissimilar properties. This amino acid position is conserved. In addition, this alteration is predicted to be deleterious by in silico analysis. Based on the available evidence, the clinical significance of this variant remains unclear.